The following is an entry in ClinVar:

NM_001035.3(RYR2):c.13861C>A (p.Pro4621Thr)

Gene: RYR2 (ryanodine receptor 2; plus strand). Cytogenetic location: 1q43.
Variant type: single nucleotide variant.
Coding change: c.13861C>A on transcript NM_001035.3 (MANE Select); coding-DNA position 13861, C replaced by A.
Protein change: p.Pro4621Thr; replaces proline 4621 with threonine.
Molecular consequence: missense variant.
Genome position (GRCh38, 1-based): chr1:237,793,945, C>A. VCF-style: chr1-237793945-C-A. GRCh37 (hg19) VCF-style: chr1-237957245-C-A.
Other names: short protein forms P4621T.
Identifiers: ClinVar variation 1171518 (VCV001171518.3), dbSNP rs1573977132, ClinGen allele CA345418198.

ClinVar aggregate classification (germline): Uncertain significance (1 of 4 stars; one submission).

Conditions:
Cardiomyopathy (CMYO). Also called: Cardiomyopathies. Identifiers: Orphanet 167848, MedGen C0878544, MONDO:0004994, HP:0001638. Inheritance: Various modes of inheritance.

Submission:

Color Diagnostics, LLC DBA Color Health
Classification: Uncertain significance for Cardiomyopathy. Last evaluated: 2024-03-06. Review status: criteria provided, single submitter. Criteria: ACMG Guidelines, 2015. Collection method: clinical testing. Allele origin: germline.
Comment: This missense variant replaces proline with threonine at codon 4621 of the RYR2 protein. Computational prediction suggests that this variant may have deleterious impact on protein structure and function (internally defined REVEL score threshold >= 0.7, PMID: 27666373). To our knowledge, functional studies have not been reported for this variant. This variant has not been reported in individuals affected with cardiovascular disorders in the literature. This variant has not been identified in the general population by the Genome Aggregation Database (gnomAD). The available evidence is insufficient to determine the role of this variant in disease conclusively. Therefore, this variant is classified as a Variant of Uncertain Significance.